The following is an entry in ClinVar:

NM_001130987.2(DYSF):c.2666C>T (p.Ala889Val)

Gene: DYSF (dysferlin; plus strand). Cytogenetic location: 2p13.2.
Variant type: single nucleotide variant.
Coding change: c.2666C>T on transcript NM_001130987.2 (MANE Select); coding-DNA position 2666, C replaced by T.
Protein change: p.Ala889Val; replaces alanine 889 with valine.
Molecular consequence: missense variant.
Genome position (GRCh38, 1-based): chr2:71,568,051, C>T. VCF-style: chr2-71568051-C-T. GRCh37 (hg19) VCF-style: chr2-71795181-C-T.
Other names: c.2615C>T, p.Ala872Val (NM_001130455.2, NM_001130983.2); c.2570C>T, p.Ala857Val (NM_001130976.2, NM_001130977.2); c.2612C>T, p.Ala871Val (NM_001130978.2, NM_003494.4); c.2705C>T, p.Ala902Val (NM_001130979.2); c.2663C>T, p.Ala888Val (NM_001130980.2, NM_001130981.2); c.2708C>T, p.Ala903Val (NM_001130982.2); c.2573C>T, p.Ala858Val (NM_001130984.2, NM_001130986.2); c.2666C>T, p.Ala889Val (NM_001130985.2); short protein forms A857V, A888V, A889V, A902V, A858V, A871V, A872V, A903V.
Identifiers: ClinVar variation 1991525 (VCV001991525.1), dbSNP rs2545798350, ClinGen allele CA347213866.
Genomic context (GRCh38, chr2:71,568,051, plus strand): 5'-AGATACGGGTCAAGCTGTGGTTTGGGCTCTCAGTGGATGAGAAGGAGTTCAACCAGTTTG[C>T]TGAGGGGAAGCTGTCTGTCTTTGCTGAAACCGTGAGTACCTGCCAGCCCCCACCTCTGCC-3'
Protein context (NP_001124459.1, residues 879-899): SVDEKEFNQF[Ala889Val]EGKLSVFAET

ClinVar aggregate classification (germline): Uncertain significance (1 of 4 stars; one submission).

Conditions:
Neuromuscular disease caused by qualitative or quantitative defects of dysferlin. Also called: Qualitative or quantitative defects of dysferlin; Dysferlinopathy. Identifiers: Orphanet 207073, MedGen C2931687, MONDO:0016145.

Submission:

Labcorp Genetics (formerly Invitae), Labcorp
Classification: Uncertain significance for Neuromuscular disease caused by qualitative or quantitative defects of dysferlin. Last evaluated: 2022-03-18. Review status: criteria provided, single submitter. Criteria: Invitae Variant Classification Sherloc (09022015). Collection method: clinical testing. Allele origin: germline.
Comment: This sequence change replaces alanine, which is neutral and non-polar, with valine, which is neutral and non-polar, at codon 871 of the DYSF protein (p.Ala871Val). This variant is not present in population databases (gnomAD no frequency). This variant has not been reported in the literature in individuals affected with DYSF-related conditions. Advanced modeling of protein sequence and biophysical properties (such as structural, functional, and spatial information, amino acid conservation, physicochemical variation, residue mobility, and thermodynamic stability) performed at Invitae indicates that this missense variant is not expected to disrupt DYSF protein function. In summary, the available evidence is currently insufficient to determine the role of this variant in disease. Therefore, it has been classified as a Variant of Uncertain Significance.